The following is an entry in ClinVar:

NM_024753.5(TTC21B):c.1358T>A (p.Met453Lys)

Gene: TTC21B (tetratricopeptide repeat domain 21B; minus strand). Cytogenetic location: 2q24.3.
Variant type: single nucleotide variant.
Coding change: c.1358T>A on transcript NM_024753.5 (MANE Select); coding-DNA position 1358, T replaced by A.
Protein change: p.Met453Lys; replaces methionine 453 with lysine.
Molecular consequence: missense variant.
Genome position (GRCh38, 1-based): chr2:165,929,163, A>T on the plus strand (T>A on the coding strand, the complement: TTC21B is on the minus strand). VCF-style: chr2-165929163-A-T. GRCh37 (hg19) VCF-style: chr2-166785673-A-T.
Other names: c.1358T>A (NM_024753.3, NM_024753.4); short protein forms M453K.
Identifiers: ClinVar variation 193933 (VCV000193933.11), dbSNP rs373845234, ClinGen allele CA239668.

ClinVar aggregate classification (germline): Uncertain significance. Review status: criteria provided, multiple submitters, no conflicts (2 of 4 stars). 4 submissions from 4 submitters: Uncertain significance (4). Last evaluated 2026-02-27.

Conditions:
TTC21B-related disorder. Also called: TTC21B-related condition; TTC21B-related disorders.
Inborn genetic diseases. Identifiers: MedGen C0950123, MeSH D030342.
Jeune thoracic dystrophy. Also called: Jeune syndrome; Short-rib thoracic dysplasia; Infantile thoracic dystrophy; Thoracic pelvic phalangeal dystrophy; Jeune's syndrome; Chondroectodermal dysplasia-like syndrome. Identifiers: Orphanet 474, MedGen C0265275, MONDO:0018770.
Nephronophthisis. Also called: Juvenile Nephronophthisis. Identifiers: Orphanet 655, MedGen C0687120, MONDO:0019005, HP:0000090.

Allele frequency attached by ClinVar (database versions not stated): TOPMed 0.00002; gnomAD 0.00003; ESP Exome Variant Server 0.00008.
gnomAD v4.1: 39 of 1,612,776 alleles (0.0024%); highest among the groups gnomAD compares: Non-Finnish European, 0.0031%; no homozygotes.

Submissions (4):

PreventionGenetics, part of Exact Sciences
Classification: Uncertain significance for TTC21B-related condition. Last evaluated: 2026-02-27. Review status: criteria provided, single submitter. Criteria: ACMG Guidelines, 2015. Collection method: clinical testing. Allele origin: germline.
Comment: The TTC21B c.1358T>A variant is predicted to result in the amino acid substitution p.Met453Lys. To our knowledge, this variant has not been reported in the literature. This variant is reported in 0.0047% of alleles in individuals of European (Non-Finnish) descent in gnomAD. At this time, the clinical significance of this variant is uncertain due to the absence of conclusive functional and genetic evidence.

Ambry Genetics
Classification: Uncertain significance for Inborn genetic diseases. Last evaluated: 2024-09-11. Review status: criteria provided, single submitter. Criteria: Ambry Variant Classification Scheme 2023. Collection method: clinical testing. Allele origin: germline.

Labcorp Genetics (formerly Invitae), Labcorp
Classification: Uncertain significance for Jeune thoracic dystrophy; Nephronophthisis. Last evaluated: 2021-09-01. Review status: criteria provided, single submitter. Criteria: Invitae Variant Classification Sherloc (09022015). Collection method: clinical testing. Allele origin: germline.
Comment: This sequence change replaces methionine with lysine at codon 453 of the TTC21B protein (p.Met453Lys). The methionine residue is weakly conserved and there is a moderate physicochemical difference between methionine and lysine. This variant is present in population databases (rs373845234, ExAC 0.01%). This variant has not been reported in the literature in individuals affected with TTC21B-related conditions. ClinVar contains an entry for this variant (Variation ID: 193933). Algorithms developed to predict the effect of missense changes on protein structure and function (SIFT, PolyPhen-2, Align-GVGD) all suggest that this variant is likely to be tolerated. In summary, the available evidence is currently insufficient to determine the role of this variant in disease. Therefore, it has been classified as a Variant of Uncertain Significance.

Eurofins Ntd Llc (ga)
Classification: Uncertain significance. Last evaluated: 2015-01-28. Review status: criteria provided, single submitter. Criteria: EGL Classification Definitions 2015. Collection method: clinical testing. Allele origin: germline. Observed: 1 variant allele, 1 heterozygote.